The following is an entry in ClinVar:

NM_033026.6(PCLO):c.6817A>G (p.Ile2273Val)

Gene: PCLO (piccolo presynaptic cytomatrix protein; minus strand). Cytogenetic location: 7q21.11.
Variant type: single nucleotide variant.
Coding change: c.6817A>G on transcript NM_033026.6 (MANE Select); coding-DNA position 6817, A replaced by G.
Protein change: p.Ile2273Val; replaces isoleucine 2273 with valine.
Molecular consequence: missense variant.
Genome position (GRCh38, 1-based): chr7:82,954,136, T>C on the plus strand (A>G on the coding strand, the complement: PCLO is on the minus strand). VCF-style: chr7-82954136-T-C. GRCh37 (hg19) VCF-style: chr7-82583452-T-C.
Other names: c.6817A>G, p.Ile2273Val (NM_014510.3); short protein forms I2273V.
Identifiers: ClinVar variation 1388426 (VCV001388426.7), dbSNP rs751365179, ClinGen allele CA4320404.

ClinVar aggregate classification (germline): Uncertain significance (1 of 4 stars; one submission).

Allele frequency attached by ClinVar (database versions not stated): gnomAD exomes 0.00001 and 0.00002; ExAC 0.00002; gnomAD 0.00003 and 0.00004; TOPMed 0.00003.
gnomAD v4.1: 23 of 1,613,810 alleles (0.0014%); highest among the groups gnomAD compares: African/African-American, 0.0067%; no homozygotes.

Submission:

Labcorp Genetics (formerly Invitae), Labcorp
Classification: Uncertain significance. Last evaluated: 2021-04-17. Review status: criteria provided, single submitter. Criteria: Invitae Variant Classification Sherloc (09022015). Collection method: clinical testing. Allele origin: germline.
Comment: This sequence change replaces isoleucine with valine at codon 2273 of the PCLO protein (p.Ile2273Val). The isoleucine residue is weakly conserved and there is a small physicochemical difference between isoleucine and valine. This variant is present in population databases (rs751365179, ExAC 0.01%). This variant has not been reported in the literature in individuals with PCLO-related conditions. Algorithms developed to predict the effect of missense changes on protein structure and function output the following: SIFT: "Tolerated"; PolyPhen-2: "Not Available"; Align-GVGD: "Class C0". The valine amino acid residue is found in multiple mammalian species, suggesting that this missense change does not adversely affect protein function. These predictions have not been confirmed by published functional studies and their clinical significance is uncertain. In summary, the available evidence is currently insufficient to determine the role of this variant in disease. Therefore, it has been classified as a Variant of Uncertain Significance.